The following is an entry in ClinVar:

ClinVar aggregate classification (germline): Conflicting classifications of pathogenicity. Review status: criteria provided, conflicting classifications (1 of 4 stars). 3 submissions from 3 submitters: Uncertain significance (2); Likely benign (1). Last evaluated 2025-10-01.
ClinVar aggregate classification (somatic clinical impact): Tier III - Unknown (1 of 4 stars; one submission).

Conditions:
Kabuki syndrome. Also called: NIIKAWA-KUROKI SYNDROME; Kabuki make-up syndrome. Identifiers: Orphanet 2322, MedGen C0796004, MONDO:0016512.
Primary central nervous system lymphoma. Identifiers: Orphanet 46135, MedGen C0280803, MONDO:0002571, HP:0030069.

Submissions (4):

Labcorp Genetics (formerly Invitae), Labcorp
Classification: Uncertain significance for Kabuki syndrome. Last evaluated: 2025-10-01. Review status: criteria provided, single submitter. Criteria: Invitae Variant Classification Sherloc (09022015). Collection method: clinical testing. Allele origin: germline.
Comment: This variant, c.11805_11813del, results in the deletion of 3 amino acid(s) of the KMT2D protein (p.Gln3937_Gln3939del), but otherwise preserves the integrity of the reading frame. The frequency data for this variant in the population databases is considered unreliable, as metrics indicate poor data quality at this position in the gnomAD database. This variant has not been reported in the literature in individuals affected with KMT2D-related conditions. This variant has been observed in at least one individual who was not affected with KMT2D-related conditions (internal data). ClinVar contains an entry for this variant (Variation ID: 1338410). Experimental studies and prediction algorithms are not available or were not evaluated, and the functional significance of this variant is currently unknown. In summary, the available evidence is currently insufficient to determine the role of this variant in disease. Therefore, it has been classified as a Variant of Uncertain Significance.

Revvity Omics, Revvity
Classification: Uncertain significance. Last evaluated: 2021-04-20. Review status: criteria provided, single submitter. Criteria: ACMG Guidelines, 2015. Collection method: clinical testing. Allele origin: germline.

Genetic Services Laboratory, University of Chicago
Classification: Likely benign. Last evaluated: 2018-05-23. Review status: criteria provided, single submitter. Criteria: ACMG Guidelines, 2015. Collection method: clinical testing. Allele origin: germline. Affected: no.

National Institute of Cancer Research, National Health Research Institutes
Classification: Tier III - Unknown for Primary central nervous system lymphoma. Review status: criteria provided, single submitter. Criteria: AMP/ASCO/CAP Guidelines, 2017. Collection method: clinical testing. Allele origin: somatic. Affected: yes.

NM_003482.4(KMT2D):c.11796ACAGCAGCA[1] (p.Gln3937_Gln3939del)

Gene: KMT2D (lysine methyltransferase 2D; minus strand). Cytogenetic location: 12q13.12.
Variant type: Microsatellite.
Coding change: c.11796ACAGCAGCA[1] on transcript NM_003482.4 (MANE Select); one copy of the 9-base unit ACAGCAGCA starting at c.11796; the reference has two copies in a row; one copy, 9 bases deleted; also written c.11805_11813del.
Protein change: p.Gln3937_Gln3939del.
Molecular consequence: inframe deletion.
Genome position (GRCh38, 1-based): chr12:49,032,892-49,032,900, TGCTGCTGT deleted on the plus strand (ACAGCAGCA on the coding strand, the reverse complement: KMT2D is on the minus strand); deleting any 9 consecutive bases within chr12:49,032,892-49,032,911 gives the same sequence; the position shown is the placement nearest the transcript's 3' end. VCF-style (leftmost placement, unchanged base first): chr12-49032891-CTGCTGCTGT-C. GRCh37 (hg19) VCF-style: chr12-49426674-CTGCTGCTGT-C.
Other names: c.11805_11813del (NM_003482.4).
Identifiers: ClinVar variation 1338410 (VCV001338410.15), dbSNP rs759803583, ClinGen allele CA6546291.